The following is an entry in ClinVar:

NM_002474.3(MYH11):c.4543G>C (p.Asp1515His)

Genes: MYH11 (myosin heavy chain 11; minus strand), NDE1 (nudE neurodevelopment protein 1; plus strand). Cytogenetic location: 16p13.11.
Variant type: single nucleotide variant.
Coding change: c.4543G>C on transcript NM_002474.3 (MANE Select); coding-DNA position 4543, G replaced by C.
Protein change: p.Asp1515His; replaces aspartic acid 1515 with histidine.
Molecular consequence: missense variant. On other transcripts: intron variant (2).
Genome position (GRCh38, 1-based): chr16:15,721,457, C>G on the plus strand (G>C on the coding strand, the complement: MYH11 is on the minus strand). VCF-style: chr16-15721457-C-G. GRCh37 (hg19) VCF-style: chr16-15815314-C-G.
Other names: c.4564G>C, p.Asp1522His (NM_001040113.2, NM_001040114.2); c.4543G>C, p.Asp1515His (NM_022844.3); c.948-2734C>G (NM_001143979.2, NM_017668.3); short protein forms D1515H, D1522H.
Identifiers: ClinVar variation 4756694 (VCV004756694.1).

ClinVar aggregate classification (germline): Uncertain significance (1 of 4 stars; one submission).

Conditions:
Familial thoracic aortic aneurysm and aortic dissection (TAAD). Also called: Thoracic aortic aneurysms and dissections. Identifiers: Orphanet 91387, MedGen C4707243, MONDO:0019625.

Submission:

Color Diagnostics, LLC DBA Color Health
Classification: Uncertain significance for Familial thoracic aortic aneurysm and aortic dissection. Last evaluated: 2025-06-03. Review status: criteria provided, single submitter. Criteria: ACMG Guidelines, 2015. Collection method: clinical testing. Allele origin: germline.
Comment: This missense variant replaces aspartic acid with histidine at codon 1522 of the MYH11 protein. Computational prediction suggests that this variant may have deleterious impact on protein structure and function. To our knowledge, functional studies have not been reported for this variant. This variant has not been reported in individuals affected with MYH11-related disorders in the literature. This variant has not been identified in the general population by the Genome Aggregation Database (gnomAD). The available evidence is insufficient to determine the role of this variant in disease conclusively. Therefore, this variant is classified as a Variant of Uncertain Significance.